The following is an entry in ClinVar:

ClinVar aggregate classification (germline): Uncertain significance (1 of 4 stars; one submission).

Allele frequency attached by ClinVar (database versions not stated): TOPMed 0.00001.

Submission:

Ambry Genetics
Classification: Uncertain significance. Last evaluated: 2022-10-03. Review status: criteria provided, single submitter. Criteria: Ambry Variant Classification Scheme 2023. Collection method: clinical testing. Allele origin: germline.
Comment: The p.R29G variant (also known as c.85A>G), located in coding exon 2 of the BUB1 gene, results from an A to G substitution at nucleotide position 85. The arginine at codon 29 is replaced by glycine, an amino acid with dissimilar properties. This amino acid position is conserved. In addition, the in silico prediction for this alteration is inconclusive. Since supporting evidence is limited at this time, the clinical significance of this alteration remains unclear.

NM_004336.5(BUB1):c.85A>G (p.Arg29Gly)

Gene: BUB1 (BUB1 mitotic checkpoint serine/threonine kinase; minus strand). Cytogenetic location: 2q13.
Variant type: single nucleotide variant.
Coding change: c.85A>G on transcript NM_004336.5 (MANE Select); coding-DNA position 85, A replaced by G.
Protein change: p.Arg29Gly; replaces arginine 29 with glycine.
Molecular consequence: missense variant. On other transcripts: intron variant (1).
Genome position (GRCh38, 1-based): chr2:110,674,307, T>C on the plus strand (A>G on the coding strand, the complement: BUB1 is on the minus strand). VCF-style: chr2-110674307-T-C. GRCh37 (hg19) VCF-style: chr2-111431884-T-C.
Other names: c.85A>G, p.Arg29Gly (NM_001278617.2); c.27-83A>G (NM_001278616.2); short protein forms R29G.
Identifiers: ClinVar variation 1763995 (VCV001763995.2), dbSNP rs1690512885, ClinGen allele CA348221648.